The following is an entry in ClinVar:

NM_000038.6(APC):c.2330A>T (p.Asp777Val)

Gene: APC (APC regulator of Wnt signaling pathway; plus strand). Cytogenetic location: 5q22.2.
Variant type: single nucleotide variant.
Coding change: c.2330A>T on transcript NM_000038.6 (MANE Select); coding-DNA position 2330, A replaced by T.
Protein change: p.Asp777Val; replaces aspartic acid 777 with valine.
Molecular consequence: missense variant. On other transcripts: non-coding transcript variant (2).
Genome position (GRCh38, 1-based): chr5:112,837,924, A>T. VCF-style: chr5-112837924-A-T. GRCh37 (hg19) VCF-style: chr5-112173621-A-T.
Other names: c.2330A>T, p.Asp777Val (NM_001127510.3, NM_001354895.2, NM_001407450.1); c.2276A>T, p.Asp759Val (NM_001127511.3); c.2384A>T, p.Asp795Val (NM_001354896.2, NM_001407447.1, NM_001407448.1 and 1 more transcripts); c.2360A>T, p.Asp787Val (NM_001354897.2); c.2255A>T, p.Asp752Val (NM_001354898.2); c.2246A>T, p.Asp749Val (NM_001354899.2); c.2207A>T, p.Asp736Val (NM_001354900.2); c.2153A>T, p.Asp718Val (NM_001354901.2, NM_001407453.1); and 11 more; short protein forms D393V, D617V, D648V, D676V, D718V, D770V, D805V, D651V.
Identifiers: ClinVar variation 3635423 (VCV003635423.2).

ClinVar aggregate classification (germline): Uncertain significance (1 of 4 stars; one submission).

Conditions:
Familial adenomatous polyposis 1 (FAP1). Also called: FAMILIAL ADENOMATOUS POLYPOSIS 1, ATTENUATED; POLYPOSIS, ADENOMATOUS INTESTINAL. Identifiers: MedGen C2713442, MONDO:0021056, OMIM 175100. Disease mechanism: loss of function.

Submission:

Labcorp Genetics (formerly Invitae), Labcorp
Classification: Uncertain significance for Familial adenomatous polyposis 1. Last evaluated: 2024-02-06. Review status: criteria provided, single submitter. Criteria: Invitae Variant Classification Sherloc (09022015). Collection method: clinical testing. Allele origin: germline.
Comment: This sequence change replaces aspartic acid, which is acidic and polar, with valine, which is neutral and non-polar, at codon 777 of the APC protein (p.Asp777Val). This variant is not present in population databases (gnomAD no frequency). This variant has not been reported in the literature in individuals affected with APC-related conditions. Advanced modeling of protein sequence and biophysical properties (such as structural, functional, and spatial information, amino acid conservation, physicochemical variation, residue mobility, and thermodynamic stability) has been performed at Invitae for this missense variant, however the output from this modeling did not meet the statistical confidence thresholds required to predict the impact of this variant on APC protein function. In summary, the available evidence is currently insufficient to determine the role of this variant in disease. Therefore, it has been classified as a Variant of Uncertain Significance.